The following is an entry in ClinVar:

NM_013275.6(ANKRD11):c.3803G>C (p.Arg1268Thr)

Gene: ANKRD11 (ankyrin repeat domain 11; minus strand). Cytogenetic location: 16q24.3.
Variant type: single nucleotide variant.
Coding change: c.3803G>C on transcript NM_013275.6 (MANE Select); coding-DNA position 3803, G replaced by C.
Protein change: p.Arg1268Thr; replaces arginine 1268 with threonine.
Molecular consequence: missense variant.
Genome position (GRCh38, 1-based): chr16:89,282,739, C>G on the plus strand (G>C on the coding strand, the complement: ANKRD11 is on the minus strand). VCF-style: chr16-89282739-C-G. GRCh37 (hg19) VCF-style: chr16-89349147-C-G.
Other names: c.3803G>C, p.Arg1268Thr (NM_001256182.2, NM_001256183.2); short protein forms R1268T.
Identifiers: ClinVar variation 4802799 (VCV004802799.1).

ClinVar aggregate classification (germline): Uncertain significance (1 of 4 stars; one submission).

Conditions:
KBG syndrome (KBGS). Also called: ANKRD11-Related KBG Syndrome. Identifiers: Orphanet 2332, MedGen C0220687, MONDO:0007846, OMIM 148050.

Submission:

Labcorp Genetics (formerly Invitae), Labcorp
Classification: Uncertain significance for KBG syndrome. Last evaluated: 2025-03-30. Review status: criteria provided, single submitter. Criteria: Invitae Variant Classification Sherloc (09022015). Collection method: clinical testing. Allele origin: germline.
Comment: This sequence change replaces arginine, which is basic and polar, with threonine, which is neutral and polar, at codon 1268 of the ANKRD11 protein (p.Arg1268Thr). This variant is not present in population databases (gnomAD no frequency). This variant has not been reported in the literature in individuals affected with ANKRD11-related conditions. Invitae Evidence Modeling of protein sequence and biophysical properties (such as structural, functional, and spatial information, amino acid conservation, physicochemical variation, residue mobility, and thermodynamic stability) indicates that this missense variant is not expected to disrupt ANKRD11 protein function with a negative predictive value of 95%. In summary, the available evidence is currently insufficient to determine the role of this variant in disease. Therefore, it has been classified as a Variant of Uncertain Significance.